The following is an entry in ClinVar:

ClinVar aggregate classification (germline): Pathogenic/Likely pathogenic. Review status: criteria provided, multiple submitters, no conflicts (2 of 4 stars). 3 submissions from 3 submitters: Pathogenic (1); Likely pathogenic (2). Last evaluated 2024-08-22.

Conditions:
Tumoral calcinosis, hyperphosphatemic, familial, 1. Also called: CALCINOSIS, TUMORAL, WITH HYPERPHOSPHATEMIA; LIPOCALCINOGRANULOMATOSIS; MORBUS TEUTSCHLAENDER; TEUTSCHLAENDER DISEASE, FAMILIAL; TUMORAL CALCINOSIS, PRIMARY HYPERPHOSPHATEMIC; CORTICAL HYPEROSTOSIS WITH HYPERPHOSPHATEMIA. Identifiers: Orphanet 53715, MedGen C4692564, MONDO:0100252, OMIM 211900.

Allele frequency attached by ClinVar (database versions not stated): gnomAD 0.00001; gnomAD exomes 0.00001; TOPMed 0.00001; 1000 Genomes Project 30x 0.00016; 1000 Genomes Project 0.00020.
gnomAD v4.1: 10 of 1,613,612 alleles (0.00062%); highest among the groups gnomAD compares: East Asian, 0.018%; no homozygotes.

Submissions (3):

Labcorp Genetics (formerly Invitae), Labcorp
Classification: Pathogenic. Last evaluated: 2024-08-22. Review status: criteria provided, single submitter. Criteria: Invitae Variant Classification Sherloc (09022015). Collection method: clinical testing. Allele origin: germline.
Comment: This sequence change creates a premature translational stop signal (p.Gln566*) in the GALNT3 gene. It is expected to result in an absent or disrupted protein product. Loss-of-function variants in GALNT3 are known to be pathogenic (PMID: 15133511, 20358599). This variant is present in population databases (rs571016917, gnomAD 0.03%). This variant has not been reported in the literature in individuals affected with GALNT3-related conditions. ClinVar contains an entry for this variant (Variation ID: 2192673). For these reasons, this variant has been classified as Pathogenic.

Fulgent Genetics
Classification: Likely pathogenic for Tumoral calcinosis, hyperphosphatemic, familial, 1. Last evaluated: 2024-05-08. Review status: criteria provided, single submitter. Criteria: ACMG Guidelines, 2015. Collection method: clinical testing. Allele origin: germline.

Eurofins-Biomnis
Classification: Likely pathogenic for Tumoral calcinosis, hyperphosphatemic, familial, 1. Last evaluated: 2022-12-01. Review status: criteria provided, single submitter. Criteria: Accession Criteria ClinVar Biomnis. Collection method: clinical testing. Allele origin: biparental. Affected: yes. Observed: 1 homozygote.

Literature cited by the submitters: PubMed 15133511 (cited by Labcorp Genetics (formerly Invitae), Labcorp); PubMed 20358599 (cited by Labcorp Genetics (formerly Invitae), Labcorp).

NM_004482.4(GALNT3):c.1696C>T (p.Gln566Ter)

Gene: GALNT3 (polypeptide N-acetylgalactosaminyltransferase 3; minus strand). Cytogenetic location: 2q24.3.
Variant type: single nucleotide variant.
Coding change: c.1696C>T on transcript NM_004482.4 (MANE Select); coding-DNA position 1696, C replaced by T.
Protein change: p.Gln566Ter; replaces glutamine 566 with a stop codon.
Molecular consequence: nonsense.
Genome position (GRCh38, 1-based): chr2:165,749,825, G>A on the plus strand (C>T on the coding strand, the complement: GALNT3 is on the minus strand). VCF-style: chr2-165749825-G-A. GRCh37 (hg19) VCF-style: chr2-166606335-G-A.
Other names: short protein forms Q566*.
Identifiers: ClinVar variation 2192673 (VCV002192673.7), dbSNP rs571016917, ClinGen allele CA59742520.